The following is an entry in ClinVar:

ClinVar aggregate classification (germline): Pathogenic (1 of 4 stars; one submission).

Conditions:
KBG syndrome (KBGS). Also called: ANKRD11-Related KBG Syndrome. Identifiers: Orphanet 2332, MedGen C0220687, MONDO:0007846, OMIM 148050.

Submission:

Labcorp Genetics (formerly Invitae), Labcorp
Classification: Pathogenic for KBG syndrome. Last evaluated: 2023-10-09. Review status: criteria provided, single submitter. Criteria: Invitae Variant Classification Sherloc (09022015). Collection method: clinical testing. Allele origin: unknown.
Comment: A gross deletion of the genomic region encompassing the full coding sequence of the ANKRD11 gene has been identified. Loss-of-function variants in ANKRD11 are known to be pathogenic (PMID: 21782149, 25125236, 25413698, 25652421). The boundaries of this event are unknown as they extend beyond the assayed region for this gene and therefore may encompass additional genes. This variant has not been reported in the literature in individuals affected with ANKRD11-related conditions. For these reasons, this variant has been classified as Pathogenic.

Literature cited by the submitters: PubMed 21782149; PubMed 25125236; PubMed 25413698; PubMed 25652421.

NC_000016.9:g.(?_87921735)_(89484776_?)del

Genes: ACSF3 (acyl-CoA synthetase family member 3; plus strand), ANKRD11 (ankyrin repeat domain 11; minus strand), APRT (adenine phosphoribosyltransferase; minus strand), BANP (BTG3 associated nuclear protein; plus strand), CA5A (carbonic anhydrase 5A; minus strand) and 18 more. Cytogenetic location: 16q24.2-24.3.
Variant type: Deletion.
Identifiers: ClinVar variation 3243328 (VCV003243328.1).